The following is an entry in ClinVar:

NM_001212.4(C1QBP):c.466_467insTA (p.Glu156fs)

Gene: C1QBP (complement C1q binding protein; minus strand). Cytogenetic location: 17p13.2.
Variant type: Insertion.
Coding change: c.466_467insTA on transcript NM_001212.4 (MANE Select); coding-DNA positions 466 to 467, TA inserted.
Protein change: p.Glu156fs; shifts the reading frame from glutamic acid 156.
Molecular consequence: frameshift variant.
Genome position: GRCh38 VCF-style: chr17-5434883-T-TTA. GRCh37 (hg19) VCF-style: chr17-5338203-T-TTA.
Other names: short protein forms E156fs.
Identifiers: ClinVar variation 4727049 (VCV004727049.1).

ClinVar aggregate classification (germline): Pathogenic (1 of 4 stars; one submission).

Submission:

Labcorp Genetics (formerly Invitae), Labcorp
Classification: Pathogenic. Last evaluated: 2025-09-11. Review status: criteria provided, single submitter. Criteria: Invitae Variant Classification Sherloc (09022015). Collection method: clinical testing. Allele origin: germline.
Comment: This sequence change creates a premature translational stop signal (p.Glu156Valfs*8) in the C1QBP gene. It is expected to result in an absent or disrupted protein product. Loss-of-function variants in C1QBP are known to be pathogenic (PMID: 28498888, 28942965). This variant is not present in population databases (gnomAD no frequency). This variant has not been reported in the literature in individuals affected with C1QBP-related conditions. For these reasons, this variant has been classified as Pathogenic.

Literature cited by the submitters: PubMed 28498888; PubMed 28942965.